The following is an entry in ClinVar:

ClinVar aggregate classification (germline): Uncertain significance (1 of 4 stars; one submission).

Submission:

Labcorp Genetics (formerly Invitae), Labcorp
Classification: Uncertain significance. Last evaluated: 2022-07-15. Review status: criteria provided, single submitter. Criteria: Invitae Variant Classification Sherloc (09022015). Collection method: clinical testing. Allele origin: germline.
Comment: This sequence change replaces isoleucine, which is neutral and non-polar, with phenylalanine, which is neutral and non-polar, at codon 227 of the LYN protein (p.Ile227Phe). This variant is not present in population databases (gnomAD no frequency). In summary, the available evidence is currently insufficient to determine the role of this variant in disease. Therefore, it has been classified as a Variant of Uncertain Significance. Algorithms developed to predict the effect of missense changes on protein structure and function are either unavailable or do not agree on the potential impact of this missense change (SIFT: "Deleterious"; PolyPhen-2: "Benign"; Align-GVGD: "Class C0"). This variant has not been reported in the literature in individuals affected with LYN-related conditions.

NM_002350.4(LYN):c.679A>T (p.Ile227Phe)

Gene: LYN (LYN proto-oncogene, Src family tyrosine kinase; plus strand). Cytogenetic location: 8q12.1.
Variant type: single nucleotide variant.
Coding change: c.679A>T on transcript NM_002350.4 (MANE Select); coding-DNA position 679, A replaced by T.
Protein change: p.Ile227Phe; replaces isoleucine 227 with phenylalanine.
Molecular consequence: missense variant.
Genome position (GRCh38, 1-based): chr8:55,953,873, A>T. VCF-style: chr8-55953873-A-T. GRCh37 (hg19) VCF-style: chr8-56866432-A-T.
Other names: c.616A>T, p.Ile206Phe (NM_001111097.3); short protein forms I206F, I227F.
Identifiers: ClinVar variation 1713412 (VCV001713412.5), dbSNP rs867077413, ClinGen allele CA371282182.